The following is an entry in ClinVar:

ClinVar aggregate classification (germline): Pathogenic (1 of 4 stars; one submission).

Conditions:
Seizures, benign familial infantile, 2 (BFIS2). Also called: CONVULSIONS, BENIGN FAMILIAL INFANTILE, 2. Identifiers: Orphanet 306, MedGen C1853995, MONDO:0011593, OMIM 605751.
Episodic kinesigenic dyskinesia 1 (EKD1). Also called: DYSTONIA, FAMILIAL PAROXYSMAL; PAROXYSMAL KINESIGENIC CHOREOATHETOSIS; Dystonia 10; PRRT2-Related Paroxysmal Kinesigenic Dyskinesia (PKD); PxMD-PRRT2. Identifiers: Orphanet 98809, MedGen C4552000, MONDO:0100352, OMIM 128200, MONDO:0007494.
Infantile convulsions and choreoathetosis (ICCA). Also called: PAROXYSMAL KINESIGENIC DYSKINESIA WITH INFANTILE CONVULSIONS; PRRT2-Related Paroxysmal Kinesigenic Dyskinesia with Infantile Convulsions (PKD/IC). Identifiers: Orphanet 31709, MedGen C1865926, MONDO:0011178, OMIM 602066.

Submission:

Juno Genomics, Hangzhou Juno Genomics, Inc
Classification: Pathogenic for Infantile convulsions and choreoathetosis; Episodic kinesigenic dyskinesia 1; Seizures, benign familial infantile, 2. Review status: criteria provided, single submitter. Criteria: ACMG Guidelines, 2015. Collection method: clinical testing. Allele origin: germline. Affected: yes.
Comment: Absent from controls (or at extremely low frequency if recessive) in Genome Aggregation Database, Exome Sequencing Project, 1000 Genomes Project, or Exome Aggregation Consortium.;Null variant in a gene where loss of function (LOF) is a known mechanism of disease.;Patient's phenotype or family history is highly specific for a disease with a single genetic etiology.

NM_145239.3(PRRT2):c.766del (p.Val256fs)

Genes: MVP-DT (MVP divergent transcript; minus strand), PRRT2 (proline rich transmembrane protein 2; plus strand). Cytogenetic location: 16p11.2.
Variant type: Deletion.
Coding change: c.766del on transcript NM_145239.3 (MANE Select); coding-DNA position 766, one base deleted (G; older notation c.766delG).
Protein change: p.Val256fs; shifts the reading frame from valine 256.
Molecular consequence: frameshift variant.
Genome position (GRCh38, 1-based): chr16:29,813,820, G deleted; the last of 4 consecutive G bases (chr16:29,813,817-29,813,820); deleting any one gives the same sequence. VCF-style (leftmost placement, unchanged base first): chr16-29813816-TG-T. GRCh37 (hg19) VCF-style: chr16-29825137-TG-T.
Other names: c.766del, p.Val256fs (NM_001256442.2, NM_001256443.2, NM_001438120.1 and 2 more transcripts); short protein forms V256fs.
Identifiers: ClinVar variation 4796525 (VCV004796525.1).